The following is an entry in ClinVar:

ClinVar aggregate classification (germline): Pathogenic. Review status: criteria provided, multiple submitters, no conflicts (2 of 4 stars). 2 submissions from 2 submitters: Pathogenic (2). Last evaluated 2025-02-18.

Conditions:
Progressive muscular dystrophy. Identifiers: Orphanet 206644, MedGen C4551827, MONDO:0016106.
Duchenne muscular dystrophy (DMD). Also called: MUSCULAR DYSTROPHY, PSEUDOHYPERTROPHIC PROGRESSIVE, DUCHENNE TYPE; Duchenne Muscular Dystrophy (DMD). Identifiers: Orphanet 98896, MedGen C0013264, MONDO:0010679, OMIM 310200.

Submissions (2):

Myriad Genetics, Inc.
Classification: Pathogenic for Progressive muscular dystrophy. Last evaluated: 2025-02-18. Review status: criteria provided, single submitter. Criteria: Myriad Autosomal Dominant, Autosomal Recessive and X-Linked Classification Criteria (2023). Collection method: clinical testing. Allele origin: unknown.
Comment: NM_004006.2(DMD):c.5612dupA(A1872Gfs*16) is a frameshift variant classified as pathogenic in the context of dystrophinopathy (including Duchenne/Becker muscular dystrophy). A1872Gfs*16 has not been observed in cases with relevant disease. Relevant functional assessments of this variant are not available in the literature. A1872Gfs*16 has not been observed in referenced population frequency databases. In summary, NM_004006.2(DMD):c.5612dupA(A1872Gfs*16) is a frameshift variant in a gene where loss of function is a known mechanism of disease and is predicted to disrupt protein function. Please note: this variant was assessed in the context of healthy population screening.

Labcorp Genetics (formerly Invitae), Labcorp
Classification: Pathogenic for Duchenne muscular dystrophy. Last evaluated: 2023-12-19. Review status: criteria provided, single submitter. Criteria: Invitae Variant Classification Sherloc (09022015). Collection method: clinical testing. Allele origin: germline.
Comment: This sequence change creates a premature translational stop signal (p.Ala1872Glyfs*16) in the DMD gene. It is expected to result in an absent or disrupted protein product. Loss-of-function variants in DMD are known to be pathogenic (PMID: 16770791, 25007885). This variant is not present in population databases (gnomAD no frequency). This variant has not been reported in the literature in individuals affected with DMD-related conditions. For these reasons, this variant has been classified as Pathogenic.

Literature cited by the submitters: PubMed 16770791 (cited by Labcorp Genetics (formerly Invitae), Labcorp); PubMed 25007885 (cited by Labcorp Genetics (formerly Invitae), Labcorp).

NM_004006.3(DMD):c.5612dup (p.Ala1872fs)

Gene: DMD (dystrophin; minus strand). Cytogenetic location: Xp21.1.
Variant type: Duplication.
Coding change: c.5612dup on transcript NM_004006.3 (MANE Select); coding-DNA position 5612, one base duplicated (A; older notation c.5612dupA).
Protein change: p.Ala1872fs; shifts the reading frame from alanine 1872.
Molecular consequence: frameshift variant.
Genome position (GRCh38, 1-based): chrX:32,343,261, T duplicated on the plus strand (A on the coding strand, the reverse complement: DMD is on the minus strand); the first of 6 consecutive T bases (chrX:32,343,261-32,343,266); duplicating any one gives the same sequence. VCF-style (leftmost placement, unchanged base first): chrX-32343260-C-CT. GRCh37 (hg19) VCF-style: chrX-32361377-C-CT.
Other names: c.5588dup, p.Ala1864fs (NM_000109.4); c.5600dup, p.Ala1868fs (NM_004009.3); c.5243dup, p.Ala1749fs (NM_004010.3); c.1589dup, p.Ala531fs (NM_004011.4); c.1580dup, p.Ala528fs (NM_004012.4); short protein forms A1749fs, A1864fs, A1872fs, A1868fs, A528fs, A531fs.
Identifiers: ClinVar variation 2810377 (VCV002810377.4), dbSNP rs2521867689, ClinGen allele CA2739268179.